The following is an entry in ClinVar:

ClinVar aggregate classification (germline): Uncertain significance (1 of 4 stars; one submission).

Conditions:
Dyskeratosis congenita. Identifiers: Orphanet 1775, MedGen C0265965, MONDO:0015780.

Submission:

Labcorp Genetics (formerly Invitae), Labcorp
Classification: Uncertain significance for Dyskeratosis congenita. Last evaluated: 2020-01-03. Review status: criteria provided, single submitter. Criteria: Invitae Variant Classification Sherloc (09022015). Collection method: clinical testing. Allele origin: germline.
Comment: In summary, the available evidence is currently insufficient to determine the role of this variant in disease. Therefore, it has been classified as a Variant of Uncertain Significance. Algorithms developed to predict the effect of missense changes on protein structure and function (SIFT, PolyPhen-2, Align-GVGD) all suggest that this variant is likely to be tolerated, but these predictions have not been confirmed by published functional studies and their clinical significance is uncertain. This variant has not been reported in the literature in individuals with TINF2-related conditions. This variant is not present in population databases (ExAC no frequency). This sequence change replaces serine with threonine at codon 305 of the TINF2 protein (p.Ser305Thr). The serine residue is weakly conserved and there is a small physicochemical difference between serine and threonine.

NM_001099274.3(TINF2):c.914G>C (p.Ser305Thr)

Gene: TINF2 (TERF1 interacting nuclear factor 2; minus strand). Cytogenetic location: 14q12.
Variant type: single nucleotide variant.
Coding change: c.914G>C on transcript NM_001099274.3 (MANE Select); coding-DNA position 914, G replaced by C.
Protein change: p.Ser305Thr; replaces serine 305 with threonine.
Molecular consequence: missense variant.
Genome position (GRCh38, 1-based): chr14:24,240,566, C>G on the plus strand (G>C on the coding strand, the complement: TINF2 is on the minus strand). VCF-style: chr14-24240566-C-G. GRCh37 (hg19) VCF-style: chr14-24709772-C-G.
Other names: c.809G>C, p.Ser270Thr (NM_001363668.2); c.914G>C, p.Ser305Thr (NM_012461.3); short protein forms S305T, S270T.
Identifiers: ClinVar variation 958039 (VCV000958039.9), dbSNP rs746657282, ClinGen allele CA389224827.